The following is an entry in ClinVar:

ClinVar aggregate classification (germline): Uncertain significance. Review status: criteria provided, multiple submitters, no conflicts (2 of 4 stars). 2 submissions from 2 submitters: Uncertain significance (2). Last evaluated 2024-04-16.

Conditions:
Neurofibromatosis, type 2 (SWNV). Also called: NF2-Related Schwannomatosis; BILATERAL ACOUSTIC NEUROFIBROMATOSIS; SCHWANNOMATOSIS, VESTIBULAR. Identifiers: Orphanet 637, MedGen C0027832, MONDO:0007039, OMIM 101000. Disease mechanism: loss of function.

Allele frequency attached by ClinVar (database versions not stated): TOPMed below 0.00001; gnomAD 0.00001; gnomAD exomes 0.00001.
gnomAD v4.1: 6 of 1,612,874 alleles (0.00037%); highest among the groups gnomAD compares: East Asian, 0.0045%; no homozygotes.

Submissions (2):

All of Us Research Program, National Institutes of Health
Classification: Uncertain significance for Neurofibromatosis, type 2. Last evaluated: 2024-04-16. Review status: criteria provided, single submitter. Criteria: ACMG Guidelines, 2015. Collection method: clinical testing. Allele origin: germline. Inheritance: Autosomal dominant inheritance. Observed: 1 variant allele, 1 heterozygote.
Comment: This missense variant replaces lysine with glutamic acid at codon 171 of the NF2 protein. Computational prediction suggests that this variant may not impact protein structure and function. To our knowledge, functional studies have not been reported for this variant. This variant has not been reported in individuals affected with NF2-related disorders in the literature. This variant has been identified in 1/251438 chromosomes in the general population by the Genome Aggregation Database (gnomAD). The available evidence is insufficient to determine the role of this variant in disease conclusively. Therefore, this variant is classified as a Variant of Uncertain Significance.

This study involves interpretation of variants in research participants for the purpose of population health screening. Participant phenotype was not available at the time of variant classification. Additional details can be found in publication PMID: 35346344, PMCID: PMC8962531

Labcorp Genetics (formerly Invitae), Labcorp
Classification: Uncertain significance for Neurofibromatosis, type 2. Last evaluated: 2022-06-14. Review status: criteria provided, single submitter. Criteria: Invitae Variant Classification Sherloc (09022015). Collection method: clinical testing. Allele origin: germline.
Comment: This sequence change replaces lysine, which is basic and polar, with glutamic acid, which is acidic and polar, at codon 171 of the NF2 protein (p.Lys171Glu). This variant is present in population databases (no rsID available, gnomAD 0.0009%). This variant has not been reported in the literature in individuals affected with NF2-related conditions. Algorithms developed to predict the effect of missense changes on protein structure and function (SIFT, PolyPhen-2, Align-GVGD) all suggest that this variant is likely to be disruptive. In summary, the available evidence is currently insufficient to determine the role of this variant in disease. Therefore, it has been classified as a Variant of Uncertain Significance.

NM_000268.4(NF2):c.511A>G (p.Lys171Glu)

Gene: NF2 (NF2, moesin-ezrin-radixin like (MERLIN) tumor suppressor; plus strand). Cytogenetic location: 22q12.2.
Variant type: single nucleotide variant.
Coding change: c.511A>G on transcript NM_000268.4 (MANE Select); coding-DNA position 511, A replaced by G.
Protein change: p.Lys171Glu; replaces lysine 171 with glutamic acid.
Molecular consequence: missense variant. On other transcripts: non-coding transcript variant (1), intron variant (1).
Genome position (GRCh38, 1-based): chr22:29,654,720, A>G. VCF-style: chr22-29654720-A-G. GRCh37 (hg19) VCF-style: chr22-30050709-A-G.
Other names: c.262A>G, p.Lys88Glu (NM_181830.3, NM_181831.3, NM_001407063.1 and 1 more transcripts); c.511A>G, p.Lys171Glu (NM_181832.3, NM_001407057.1, NM_001407059.1 and 4 more transcripts); c.447+12435A>G (NM_181833.3); c.397A>G, p.Lys133Glu (NM_001407053.1, NM_001407056.1); c.388A>G, p.Lys130Glu (NM_001407054.1, NM_001407058.1, NM_001407062.1 and 1 more transcripts); c.385A>G, p.Lys129Glu (NM_001407055.1, NM_181828.3); c.-130A>G (NM_001407065.1); c.280A>G, p.Lys94Glu (NM_001407067.1); short protein forms K129E, K171E, K130E, K94E, K133E, K88E.
Identifiers: ClinVar variation 2052282 (VCV002052282.5), dbSNP rs1197697212, ClinGen allele CA411142250.
Genomic context (GRCh38, chr22:29,654,720, plus strand): 5'-GGTGACTACGACCCCAGTGTTCACAAGCGGGGATTTTTGGCCCAAGAGGAATTGCTTCCA[A>G]AAAGGGTAAGAGATTAAATTCCCTTTTCAGGAAGACATAGCAGATATGTGGTCTAAAAGA-3'
Protein context (NP_000259.1, residues 161-181): GFLAQEELLP[Lys171Glu]RVINLYQMTP